The following is an entry in ClinVar:

NM_031885.5(BBS2):c.603A>C (p.Thr201=)

Gene: BBS2 (Bardet-Biedl syndrome 2; minus strand). Cytogenetic location: 16q13.
Variant type: single nucleotide variant.
Coding change: c.603A>C on transcript NM_031885.5 (MANE Select); coding-DNA position 603, A replaced by C.
Protein change: p.Thr201=; no amino-acid change (threonine 201 retained).
Molecular consequence: synonymous variant. On other transcripts: non-coding transcript variant (5).
Genome position (GRCh38, 1-based): chr16:56,509,966, T>G on the plus strand (A>C on the coding strand, the complement: BBS2 is on the minus strand). VCF-style: chr16-56509966-T-G. GRCh37 (hg19) VCF-style: chr16-56543878-T-G.
Other names: c.603A>C, p.Thr201= (NM_001377456.1).
Identifiers: ClinVar variation 887244 (VCV000887244.14), dbSNP rs768647514, ClinGen allele CA8065995.
Genomic context (GRCh38, chr16:56,509,966, plus strand): 5'-TACTGATCTATCTTGCTCAAGGTTACCATAGTTCGAGGTGGAGCTTCTTACCTCTGTTTC[T>G]GTCATTTCTGCCACAATCTCATCTTCCTTAAAAACTCGGATATCAAAATCCTCAGATCCA-3'
Protein context (NP_114091.4, residues 191-211): FKEDEIVAEM[Thr201=]ETEIVTSLCP

ClinVar aggregate classification (germline): Conflicting classifications of pathogenicity. Review status: criteria provided, conflicting classifications (1 of 4 stars). 3 submissions from 3 submitters: Uncertain significance (1); Likely benign (1). 1 of the submissions does not count toward it. Last evaluated 2026-01-11.

Conditions:
Bardet-Biedl syndrome (BBS). Identifiers: Orphanet 110, MedGen C0752166, MONDO:0015229.
Bardet-Biedl syndrome 2 (BBS2). Identifiers: Orphanet 110, MedGen C2936863, MONDO:0014432, OMIM 615981.
BBS2-related disorder. Also called: BBS2-related disorders; BBS2-related condition. Identifiers: MedGen CN239228.

Allele frequency attached by ClinVar (database versions not stated): TOPMed below 0.00001; ExAC 0.00001; gnomAD exomes below 0.00001 and 0.00001; gnomAD 0.00001.
gnomAD v4.1: 6 of 1,613,994 alleles (0.00037%); highest among the groups gnomAD compares: Non-Finnish European, 0.00051%; no homozygotes.

Submissions (3):

Labcorp Genetics (formerly Invitae), Labcorp
Classification: Likely benign for Bardet-Biedl syndrome. Last evaluated: 2026-01-11. Review status: criteria provided, single submitter. Criteria: Invitae Variant Classification Sherloc (09022015). Collection method: clinical testing. Allele origin: germline.

Illumina Laboratory Services, Illumina
Classification: Uncertain significance for Bardet-Biedl syndrome 2. Last evaluated: 2018-01-13. Review status: criteria provided, single submitter. Criteria: ICSL Variant Classification Criteria 13 December 2019. Collection method: clinical testing. Allele origin: germline.

PreventionGenetics, part of Exact Sciences
Classification: Likely benign for BBS2-related condition. Last evaluated: 2023-03-31. Review status: no assertion criteria provided. Collection method: clinical testing. Allele origin: germline. Not counted in ClinVar's aggregate classification.
Comment: This variant is classified as likely benign based on ACMG/AMP sequence variant interpretation guidelines (Richards et al. 2015 PMID: 25741868, with internal and published modifications).